The following is an entry in ClinVar:

ClinVar aggregate classification (germline): Likely benign. Review status: criteria provided, multiple submitters, no conflicts (2 of 4 stars). 2 submissions from 2 submitters: Likely benign (2). Last evaluated 2025-03-31.

Conditions:
HCK-related condition.

Submissions (2):

PreventionGenetics, part of Exact Sciences
Classification: Likely benign for HCK-related condition. Last evaluated: 2025-03-31. Review status: criteria provided, single submitter. Criteria: ACMG Guidelines, 2015. Collection method: clinical testing. Allele origin: germline.
Comment: This variant is classified as likely benign based on ACMG/AMP sequence variant interpretation guidelines (Richards et al. 2015 PMID: 25741868, with internal and published modifications).

Ambry Genetics
Classification: Likely benign. Last evaluated: 2024-06-05. Review status: criteria provided, single submitter. Criteria: Ambry Variant Classification Scheme 2023. Collection method: clinical testing. Allele origin: germline.

NM_002110.5(HCK):c.97G>A (p.Gly33Arg)

Gene: HCK (HCK proto-oncogene, Src family tyrosine kinase; plus strand). Cytogenetic location: 20q11.21.
Variant type: single nucleotide variant.
Coding change: c.97G>A on transcript NM_002110.5 (MANE Select); coding-DNA position 97, G replaced by A.
Protein change: p.Gly33Arg; replaces glycine 33 with arginine.
Molecular consequence: missense variant.
Genome position (GRCh38, 1-based): chr20:32,071,696, G>A. VCF-style: chr20-32071696-G-A. GRCh37 (hg19) VCF-style: chr20-30659499-G-A.
Other names: c.34G>A, p.Gly12Arg (NM_001172129.3, NM_001172131.3, NM_001172133.3); c.97G>A, p.Gly33Arg (NM_001172130.3); c.37G>A, p.Gly13Arg (NM_001172132.3); short protein forms G12R, G13R, G33R.
Identifiers: ClinVar variation 3283611 (VCV003283611.2).